The following is an entry in ClinVar:

NM_032119.4(ADGRV1):c.16395dup (p.Val5466fs)

Gene: ADGRV1 (adhesion G protein-coupled receptor V1; plus strand). Cytogenetic location: 5q14.3.
Variant type: Duplication.
Coding change: c.16395dup on transcript NM_032119.4 (MANE Select); coding-DNA position 16395, one base duplicated (T; older notation c.16395dupT).
Protein change: p.Val5466fs; shifts the reading frame from valine 5466.
Molecular consequence: frameshift variant. On other transcripts: non-coding transcript variant (1).
Genome position (GRCh38, 1-based): chr5:90,828,970, T duplicated; the last of 7 consecutive T bases (chr5:90,828,964-90,828,970); duplicating any one gives the same sequence. VCF-style (leftmost placement, unchanged base first): chr5-90828963-A-AT. GRCh37 (hg19) VCF-style: chr5-90124780-A-AT.
Other names: short protein forms V5466fs.
Identifiers: ClinVar variation 2808686 (VCV002808686.3), dbSNP rs1166500471, ClinGen allele CA561261510.

ClinVar aggregate classification (germline): Pathogenic (1 of 4 stars; one submission).

Submission:

Labcorp Genetics (formerly Invitae), Labcorp
Classification: Pathogenic. Last evaluated: 2023-11-08. Review status: criteria provided, single submitter. Criteria: Invitae Variant Classification Sherloc (09022015). Collection method: clinical testing. Allele origin: germline.
Comment: This sequence change creates a premature translational stop signal (p.Val5466Cysfs*5) in the ADGRV1 gene. It is expected to result in an absent or disrupted protein product. Loss-of-function variants in ADGRV1 are known to be pathogenic (PMID: 19357117, 22135276, 22147658, 26226137, 30718709, 31047384, 32467589). The frequency data for this variant in the population databases is considered unreliable, as metrics indicate poor data quality at this position in the gnomAD database. This variant has not been reported in the literature in individuals affected with ADGRV1-related conditions. For these reasons, this variant has been classified as Pathogenic.

Literature cited by the submitters: PubMed 19357117; PubMed 22135276; PubMed 22147658; PubMed 26226137; PubMed 30718709; PubMed 31047384; PubMed 32467589.